The following is an entry in ClinVar:

NM_017849.4(TMEM127):c.342_343insA (p.Val115fs)

Gene: TMEM127 (transmembrane protein 127; minus strand). Cytogenetic location: 2q11.2.
Variant type: Insertion.
Coding change: c.342_343insA on transcript NM_017849.4 (MANE Select); coding-DNA positions 342 to 343, A inserted.
Protein change: p.Val115fs; shifts the reading frame from valine 115.
Molecular consequence: frameshift variant.
Genome position: GRCh38 VCF-style: chr2-96254899-C-CT. GRCh37 (hg19) VCF-style: chr2-96920637-C-CT.
Other names: c.342_343insA, p.Val115fs (NM_001193304.3); c.90_91insA, p.Val31fs (NM_001407282.1, NM_001407283.1); short protein forms V31fs, V115fs.
Identifiers: ClinVar variation 2833559 (VCV002833559.3), dbSNP rs2467266324, ClinGen allele CA2739271174.

ClinVar aggregate classification (germline): Pathogenic (1 of 4 stars; one submission).

Conditions:
Hereditary pheochromocytoma and paraganglioma. Also called: Hereditary paragangliomas and pheochromocytomas; Hereditary Paraganglioma-Pheochromocytoma Syndromes; Hereditary pheochromocytoma-paraganglioma. Identifiers: Orphanet 29072, MedGen C4274332, MONDO:0017366.

Submission:

Labcorp Genetics (formerly Invitae), Labcorp
Classification: Pathogenic for Hereditary pheochromocytoma and paraganglioma. Last evaluated: 2023-02-03. Review status: criteria provided, single submitter. Criteria: Invitae Variant Classification Sherloc (09022015). Collection method: clinical testing. Allele origin: germline.
Comment: This variant has not been reported in the literature in individuals affected with TMEM127-related conditions. This variant is not present in population databases (gnomAD no frequency). This sequence change creates a premature translational stop signal (p.Val115Serfs*38) in the TMEM127 gene. While this is not anticipated to result in nonsense mediated decay, it is expected to disrupt the last 124 amino acid(s) of the TMEM127 protein. This variant disrupts a region of the TMEM127 protein in which other variant(s) (p.Tyr178Leufs*48) have been determined to be pathogenic (PMID: 28384794, 28855235; Invitae). This suggests that this is a clinically significant region of the protein, and that variants that disrupt it are likely to be disease-causing. For these reasons, this variant has been classified as Pathogenic.

Literature cited by the submitters: PubMed 28384794; PubMed 28855235.